The following is an entry in ClinVar:

ClinVar aggregate classification (germline): Uncertain significance (1 of 4 stars; one submission).

Conditions:
Hereditary cancer-predisposing syndrome. Also called: Neoplastic Syndromes, Hereditary; Tumor predisposition; Hereditary Cancer Syndrome; Hereditary neoplastic syndrome. Identifiers: Orphanet 140162, MedGen C0027672, MeSH D009386, MONDO:0015356.

Submission:

Ambry Genetics
Classification: Uncertain significance for Hereditary cancer-predisposing syndrome. Last evaluated: 2026-01-03. Review status: criteria provided, single submitter. Criteria: Ambry Variant Classification Scheme 2023. Collection method: clinical testing. Allele origin: germline.
Comment: The p.V1537L variant (also known as c.4609G>C), located in coding exon 31 of the SMARCA4 gene, results from a G to C substitution at nucleotide position 4609. The valine at codon 1537 is replaced by leucine, an amino acid with highly similar properties. This amino acid position is conserved. In addition, this alteration is predicted to be tolerated by in silico analysis. Based on the available evidence, the clinical significance of this variant remains unclear.

NM_003072.5(SMARCA4):c.4513G>C (p.Val1505Leu)

Gene: SMARCA4 (SWI/SNF related BAF chromatin remodeling complex subunit ATPase 4; plus strand). Cytogenetic location: 19p13.2.
Variant type: single nucleotide variant.
Coding change: c.4513G>C on transcript NM_003072.5 (MANE Select); coding-DNA position 4513, G replaced by C.
Protein change: p.Val1505Leu; replaces valine 1505 with leucine.
Molecular consequence: missense variant. On other transcripts: non-coding transcript variant (1).
Genome position (GRCh38, 1-based): chr19:11,058,343, G>C. VCF-style: chr19-11058343-G-C. GRCh37 (hg19) VCF-style: chr19-11169019-G-C.
Other names: c.4609G>C, p.Val1537Leu (NM_001387283.1, NM_001128849.3); c.4510G>C, p.Val1504Leu (NM_001411150.1); c.4513G>C, p.Val1505Leu (NM_001128844.3); c.4423G>C, p.Val1475Leu (NM_001128845.2); c.4420G>C, p.Val1474Leu (NM_001128846.2); c.4414G>C, p.Val1472Leu (NM_001128847.4, NM_001374457.1); c.4411G>C, p.Val1471Leu (NM_001128848.2); short protein forms V1474L, V1537L, V1505L, V1472L, V1475L, V1471L, V1504L.
Identifiers: ClinVar variation 4843573 (VCV004843573.1).